The following is an entry in ClinVar:

NM_017534.6(MYH2):c.4662+1G>A

Genes: MYH2 (myosin heavy chain 2; minus strand), MYHAS (myosin heavy chain gene cluster antisense RNA; plus strand), LOC126862500 (BRD4-independent group 4 enhancer GRCh37_chr17:10427829-10429028; plus strand). Cytogenetic location: 17p13.1.
Variant type: single nucleotide variant.
Coding change: c.4662+1G>A on transcript NM_017534.6 (MANE Select); the canonical splice donor site of the intron after coding-DNA position 4662, G replaced by A.
Molecular consequence: splice donor variant.
Genome position (GRCh38, 1-based): chr17:10,525,223, C>T on the plus strand (G>A on the coding strand, the complement: MYH2 is on the minus strand). VCF-style: chr17-10525223-C-T. GRCh37 (hg19) VCF-style: chr17-10428540-C-T.
Other names: c.4662+1G>A (NM_001100112.2).
Identifiers: ClinVar variation 2170382 (VCV002170382.4), dbSNP rs2073335561, ClinGen allele CA398124254.

ClinVar aggregate classification (germline): Likely pathogenic (1 of 4 stars; one submission).

Conditions:
Myopathy, proximal, and ophthalmoplegia (CMYO6). Also called: CONGENITAL MYOPATHY 6 WITH OPHTHALMOPLEGIA; MYOPATHY WITH CONGENITAL JOINT CONTRACTURES, OPHTHALMOPLEGIA, AND RIMMED VACUOLES; INCLUSION BODY MYOPATHY 3, AUTOSOMAL DOMINANT. Identifiers: Orphanet 363677, Orphanet 79091, MedGen C1854106, MONDO:0011577, OMIM 605637.

Allele frequency attached by ClinVar (database versions not stated): TOPMed below 0.00001.

Submission:

Labcorp Genetics (formerly Invitae), Labcorp
Classification: Likely pathogenic for Myopathy, proximal, and ophthalmoplegia. Last evaluated: 2022-12-06. Review status: criteria provided, single submitter. Criteria: Invitae Variant Classification Sherloc (09022015). Collection method: clinical testing. Allele origin: germline.
Comment: This sequence change affects a donor splice site in intron 33 of the MYH2 gene. It is expected to disrupt RNA splicing. Variants that disrupt the donor or acceptor splice site typically lead to a loss of protein function (PMID: 16199547), and loss-of-function variants in MYH2 are known to be pathogenic (PMID: 20418530, 23388406, 24193343). This variant is not present in population databases (gnomAD no frequency). In summary, the currently available evidence indicates that the variant is pathogenic, but additional data are needed to prove that conclusively. Therefore, this variant has been classified as Likely Pathogenic. Algorithms developed to predict the effect of sequence changes on RNA splicing suggest that this variant may disrupt the consensus splice site. This variant has not been reported in the literature in individuals affected with MYH2-related conditions.

Literature cited by the submitters: PubMed 16199547; PubMed 20418530; PubMed 23388406; PubMed 24193343.